The following is an entry in ClinVar:

ClinVar aggregate classification (germline): Uncertain significance (1 of 4 stars; one submission).

Submission:

Dasa
Classification: Uncertain significance. Last evaluated: 2025-01-20. Review status: criteria provided, single submitter. Criteria: DASA Assertion Criteria. Collection method: clinical testing. Allele origin: germline.
Comment: NM_020638.3(FGF23):c.217C>G (p.Leu73Val) is a missense variant that results in the substitution of leucine with valine. This variant is absent from population databases. The currently available literature and clinical evidence are not sufficient to establish a definitive association between this variant and the reported condition. Therefore, this variant is classified as a variant of uncertain significance.

NM_020638.3(FGF23):c.217C>G (p.Leu73Val)

Gene: FGF23 (fibroblast growth factor 23; minus strand). Cytogenetic location: 12p13.32.
Variant type: single nucleotide variant.
Coding change: c.217C>G on transcript NM_020638.3 (MANE Select); coding-DNA position 217, C replaced by G.
Protein change: p.Leu73Val; replaces leucine 73 with valine.
Molecular consequence: missense variant.
Genome position (GRCh38, 1-based): chr12:4,372,692, G>C on the plus strand (C>G on the coding strand, the complement: FGF23 is on the minus strand). VCF-style: chr12-4372692-G-C. GRCh37 (hg19) VCF-style: chr12-4481858-G-C.
Other names: short protein forms L73V.
Identifiers: ClinVar variation 4882833 (VCV004882833.2).